The following is an entry in ClinVar:

ClinVar aggregate classification (germline): Uncertain significance (1 of 4 stars; one submission).

gnomAD v4.1: 27 of 1,612,900 alleles (0.0017%); highest among the groups gnomAD compares: Non-Finnish European, 0.0021%; no homozygotes.

Submission:

GeneDx
Classification: Uncertain significance. Last evaluated: 2024-07-03. Review status: criteria provided, single submitter. Criteria: GeneDx Variant Classification Process June 2021. Collection method: clinical testing. Allele origin: germline. Affected: yes.
Comment: Not observed at significant frequency in large population cohorts (gnomAD); In silico analysis indicates that this missense variant does not alter protein structure/function; Has not been previously published as pathogenic or benign to our knowledge

NM_005327.7(HADH):c.32C>G (p.Ser11Cys)

Gene: HADH (hydroxyacyl-CoA dehydrogenase; plus strand). Cytogenetic location: 4q25.
Variant type: single nucleotide variant.
Coding change: c.32C>G on transcript NM_005327.7 (MANE Select); coding-DNA position 32, C replaced by G.
Protein change: p.Ser11Cys; replaces serine 11 with cysteine.
Molecular consequence: missense variant.
Genome position (GRCh38, 1-based): chr4:107,989,964, C>G. VCF-style: chr4-107989964-C-G. GRCh37 (hg19) VCF-style: chr4-108911120-C-G.
Other names: c.32C>G, p.Ser11Cys (NM_001184705.4); short protein forms S11C.
Identifiers: ClinVar variation 3393769 (VCV003393769.1).